The following is an entry in ClinVar:

ClinVar aggregate classification (germline): Uncertain significance (1 of 4 stars; one submission).

Conditions:
Cardiovascular phenotype. Identifiers: MedGen CN230736.

Submission:

Ambry Genetics
Classification: Uncertain significance for Cardiovascular phenotype. Last evaluated: 2023-05-15. Review status: criteria provided, single submitter. Criteria: Ambry Variant Classification Scheme 2023. Collection method: clinical testing. Allele origin: germline.
Comment: The p.I1137N variant (also known as c.3410T>A), located in coding exon 22 of the APOB gene, results from a T to A substitution at nucleotide position 3410. The isoleucine at codon 1137 is replaced by asparagine, an amino acid with dissimilar properties. This amino acid position is conserved. In addition, this alteration is predicted to be tolerated by in silico analysis. Since supporting evidence is limited at this time, the clinical significance of this alteration remains unclear.

NM_000384.3(APOB):c.3410T>A (p.Ile1137Asn)

Gene: APOB (apolipoprotein B; minus strand). Cytogenetic location: 2p24.1.
Variant type: single nucleotide variant.
Coding change: c.3410T>A on transcript NM_000384.3 (MANE Select); coding-DNA position 3410, T replaced by A.
Protein change: p.Ile1137Asn; replaces isoleucine 1137 with asparagine.
Molecular consequence: missense variant.
Genome position (GRCh38, 1-based): chr2:21,015,468, A>T on the plus strand (T>A on the coding strand, the complement: APOB is on the minus strand). VCF-style: chr2-21015468-A-T. GRCh37 (hg19) VCF-style: chr2-21238340-A-T.
Other names: short protein forms I1137N.
Identifiers: ClinVar variation 2565861 (VCV002565861.2), dbSNP rs2465388134, ClinGen allele CA346009142.
Genomic context (GRCh38, chr2:21,015,468, plus strand): 5'-TAAGCTGTAGCAGATGAGTCCATTTGGAGAAGCAGTTTGGCAGGCGACCAGTGGGCGAGG[A>T]TCTCACTTCTGGCTTCTGCTTGCAAACGGGGTATGGAAATAACACCCTTGATTTTTCTTT-3'
Protein context (NP_000375.3, residues 1127-1147): PRLQAEARSE[Ile1137Asn]LAHWSPAKLL